The following is an entry in ClinVar:

ClinVar aggregate classification (germline): Uncertain significance. Review status: criteria provided, multiple submitters, no conflicts (2 of 4 stars). 2 submissions from 2 submitters: Uncertain significance (2). Last evaluated 2026-03-16.

Conditions:
DICER1-related tumor predisposition. Also called: DICER1-related pleuropulmonary blastoma cancer predisposition syndrome; DICER1 syndrome. Identifiers: Orphanet 284343, MedGen C3839822, MONDO:0100216.
Hereditary cancer-predisposing syndrome. Also called: Tumor predisposition; Hereditary neoplastic syndrome; Neoplastic Syndromes, Hereditary; Hereditary Cancer Syndrome. Identifiers: Orphanet 140162, MedGen C0027672, MeSH D009386, MONDO:0015356.

Allele frequency attached by ClinVar (database versions not stated): gnomAD exomes below 0.00001.
gnomAD v4.1: 3 of 1,613,818 alleles (0.00019%); highest among the groups gnomAD compares: Non-Finnish European, 0.00025%; no homozygotes.

Submissions (2):

Ambry Genetics
Classification: Uncertain significance for Hereditary cancer-predisposing syndrome. Last evaluated: 2026-03-16. Review status: criteria provided, single submitter. Criteria: Ambry Variant Classification Scheme 2023. Collection method: clinical testing. Allele origin: germline.
Comment: The p.R944Q variant (also known as c.2831G>A), located in coding exon 17 of the DICER1 gene, results from a G to A substitution at nucleotide position 2831. The arginine at codon 944 is replaced by glutamine, an amino acid with highly similar properties. This amino acid position is highly conserved in available vertebrate species. In addition, the in silico prediction for this alteration is inconclusive. Based on the available evidence, the clinical significance of this variant remains unclear.

Labcorp Genetics (formerly Invitae), Labcorp
Classification: Uncertain significance for DICER1-related tumor predisposition. Last evaluated: 2024-11-20. Review status: criteria provided, single submitter. Criteria: Invitae Variant Classification Sherloc (09022015). Collection method: clinical testing. Allele origin: germline.
Comment: This sequence change replaces arginine, which is basic and polar, with glutamine, which is neutral and polar, at codon 944 of the DICER1 protein (p.Arg944Gln). This variant is not present in population databases (gnomAD no frequency). This variant has not been reported in the literature in individuals affected with DICER1-related conditions. ClinVar contains an entry for this variant (Variation ID: 543575). Invitae Evidence Modeling of protein sequence and biophysical properties (such as structural, functional, and spatial information, amino acid conservation, physicochemical variation, residue mobility, and thermodynamic stability) indicates that this missense variant is not expected to disrupt DICER1 protein function with a negative predictive value of 95%. In summary, the available evidence is currently insufficient to determine the role of this variant in disease. Therefore, it has been classified as a Variant of Uncertain Significance.

NM_177438.3(DICER1):c.2831G>A (p.Arg944Gln)

Gene: DICER1 (dicer 1, ribonuclease III; minus strand). Cytogenetic location: 14q32.13.
Variant type: single nucleotide variant.
Coding change: c.2831G>A on transcript NM_177438.3 (MANE Select); coding-DNA position 2831, G replaced by A.
Protein change: p.Arg944Gln; replaces arginine 944 with glutamine.
Molecular consequence: missense variant.
Genome position (GRCh38, 1-based): chr14:95,106,197, C>T on the plus strand (G>A on the coding strand, the complement: DICER1 is on the minus strand). VCF-style: chr14-95106197-C-T. GRCh37 (hg19) VCF-style: chr14-95572534-C-T.
Other names: c.2831G>A, p.Arg944Gln (NM_001195573.1, NM_001271282.3, NM_001291628.2 and 1 more transcripts); short protein forms R944Q.
Identifiers: ClinVar variation 543575 (VCV000543575.11), dbSNP rs1555370340, ClinGen allele CA390879216.